The following is an entry in ClinVar:

NM_000540.3(RYR1):c.9579C>T (p.Cys3193=)

Gene: RYR1 (ryanodine receptor 1; plus strand). Cytogenetic location: 19q13.2.
Variant type: single nucleotide variant.
Coding change: c.9579C>T on transcript NM_000540.3 (MANE Select); coding-DNA position 9579, C replaced by T.
Protein change: p.Cys3193=; no amino-acid change (cysteine 3193 retained).
Molecular consequence: synonymous variant.
Genome position (GRCh38, 1-based): chr19:38,516,111, C>T. VCF-style: chr19-38516111-C-T. GRCh37 (hg19) VCF-style: chr19-39006751-C-T.
Other names: c.9579C>T, p.Cys3193= (NM_001042723.2).
Identifiers: ClinVar variation 793152 (VCV000793152.11), dbSNP rs587784379, ClinGen allele CA507246911.
Genomic context (GRCh38, chr19:38,516,111, plus strand): 5'-GGACACGTGGCAGCTAAACACAGCCCCGTCTTCCAGGCTTCGGCCAGCCCTCGGGGAGTG[C>T]CTGGCCCGTCTGGCAGCAGCCATGCCGGTGGCGTTCCTGGAGCCGCAGCTGAACGAGTAC-3'
Protein context (NP_000531.2, residues 3183-3203): VEKLRPALGE[Cys3193=]LARLAAAMPV

ClinVar aggregate classification (germline): Conflicting classifications of pathogenicity. Review status: criteria provided, conflicting classifications (1 of 4 stars). 3 submissions from 3 submitters: Uncertain significance (1); Likely benign (2). Last evaluated 2025-07-30.

Conditions:
RYR1-related disorder. Also called: RYR1-related disorders; RYR1-related condition. Identifiers: MedGen CN239331.
Malignant hyperthermia, susceptibility to, 1 (MHS1). Also called: Anesthesia related hyperthermia; Malignant hyperpyrexia; Fulminating hyperpyrexia; Pharmacogenic myopathy; Malignant hyperthermia suceptibility 1; RYR1-Related Malignant Hyperthermia Susceptibility. Identifiers: Orphanet 423, MedGen C2930980, MONDO:0007783, OMIM 145600.

gnomAD v4.1: 7 of 1,549,462 alleles (0.00045%); highest among the groups gnomAD compares: Non-Finnish European, 0.00061%; no homozygotes.

Submissions (3):

Labcorp Genetics (formerly Invitae), Labcorp
Classification: Likely benign for RYR1-related disorder. Last evaluated: 2025-07-30. Review status: criteria provided, single submitter. Criteria: Invitae Variant Classification Sherloc (09022015). Collection method: clinical testing. Allele origin: germline.

Color Diagnostics, LLC DBA Color Health
Classification: Likely benign for Malignant hyperthermia, susceptibility to, 1. Last evaluated: 2025-05-26. Review status: criteria provided, single submitter. Criteria: ACMG Guidelines, 2015. Collection method: clinical testing. Allele origin: germline.

All of Us Research Program, National Institutes of Health
Classification: Uncertain significance for Malignant hyperthermia, susceptibility to, 1. Last evaluated: 2023-11-20. Review status: criteria provided, single submitter. Criteria: ACMG Guidelines, 2015. Collection method: clinical testing. Allele origin: germline. Inheritance: Autosomal dominant inheritance. Observed: 1 variant allele, 1 heterozygote.
Comment: This variant is located in the RYR1 protein. To our knowledge, functional studies have not been reported for this variant. This variant has not been reported in individuals affected with RYR1-related disorders in the literature. This variant has not been identified in the general population by the Genome Aggregation Database (gnomAD). The available evidence is insufficient to determine the role of this variant in disease conclusively. Therefore, this variant is classified as a Variant of Uncertain Significance.

This study involves interpretation of variants in research participants for the purpose of population health screening. Participant phenotype was not available at the time of variant classification. Additional details can be found in publication PMID: 35346344, PMCID: PMC8962531